The following is an entry in ClinVar:

NM_000350.3(ABCA4):c.666_678del (p.Lys223fs)

Gene: ABCA4 (ATP binding cassette subfamily A member 4; minus strand). Cytogenetic location: 1p22.1.
Variant type: Deletion.
Coding change: c.666_678del on transcript NM_000350.3 (MANE Select); coding-DNA positions 666 to 678, 13 bases deleted (AAAGACGGTGCGC).
Protein change: p.Lys223fs; shifts the reading frame from lysine 223.
Molecular consequence: frameshift variant.
Genome position (GRCh38, 1-based): chr1:94,098,884-94,098,896, GCGCACCGTCTTT deleted on the plus strand (AAAGACGGTGCGC on the coding strand, the reverse complement: ABCA4 is on the minus strand); deleting any 13 consecutive bases within chr1:94,098,884-94,098,898 gives the same sequence; the c. name uses the placement nearest the transcript's 3' end. VCF-style (leftmost placement, unchanged base first): chr1-94098883-AGCGCACCGTCTTT-A. GRCh37 (hg19) VCF-style: chr1-94564439-AGCGCACCGTCTTT-A.
Other names: NM_000350.3(ABCA4):c.666_678del; p.Lys223fs; c.664_676delGCAAAGACGGTGC, p.Lys223Metfs (NM_001425324.1); c.666_678delAAAGACGGTGCGC (NM_000350.2); short protein forms K223fs.
Identifiers: ClinVar variation 99478 (VCV000099478.20), dbSNP rs63749055, ClinGen allele CA227428.

ClinVar aggregate classification (germline): Pathogenic. Review status: criteria provided, multiple submitters, no conflicts (2 of 4 stars). 9 submissions from 8 submitters: Pathogenic (7). 2 of the submissions do not count toward it. Last evaluated 2026-01-06.

Conditions:
ABCA4-related disorder. Also called: ABCA4-related condition; ABCA4-related disorders. Identifiers: MedGen CN239167.
Cone-rod dystrophy 3 (CORD3). Identifiers: Orphanet 1872, MedGen C1858806, MONDO:0011395, OMIM 604116.
Age related macular degeneration 2. Also called: MACULAR DEGENERATION, SENILE; MACULOPATHY, AGE-RELATED, 2; MACULOPATHY, AGE-RELATED. Identifiers: MedGen C3495438, MONDO:0007932, OMIM 153800.
Retinitis pigmentosa 19 (RP19). Also called: ABCA4-Related Retinitis Pigmentosa. Identifiers: Orphanet 791, MedGen C1866422, MONDO:0011137, OMIM 601718.
Severe early-childhood-onset retinal dystrophy (STGD1). Also called: MACULAR DYSTROPHY WITH FLECKS, TYPE 1; STGD; Stargardt disease 1; Stargardt macular dystrophy; Juvenile onset macular degeneration. Identifiers: Orphanet 364055, Orphanet 827, MedGen C1855465, MeSH D000080362, MONDO:0009549, OMIM 248200.

Submissions (9):

Labcorp Genetics (formerly Invitae), Labcorp
Classification: Pathogenic. Last evaluated: 2026-01-06. Review status: criteria provided, single submitter. Criteria: Invitae Variant Classification Sherloc (09022015). Collection method: clinical testing. Allele origin: germline.
Comment: This sequence change creates a premature translational stop signal (p.Lys223Metfs*14) in the ABCA4 gene. It is expected to result in an absent or disrupted protein product. Loss-of-function variants in ABCA4 are known to be pathogenic (PMID: 10958761, 24938718, 25312043, 26780318). This variant is present in population databases (rs63749080, gnomAD 0.007%). This premature translational stop signal has been observed in individual(s) with Stargardt disease or generalized choriocapillaris dystrophy (PMID: 9973280, 24713488). ClinVar contains an entry for this variant (Variation ID: 99478). For these reasons, this variant has been classified as Pathogenic.

Blueprint Genetics
Classification: Pathogenic for ABCA4-related disorders. Last evaluated: 2024-11-07. Review status: criteria provided, single submitter. Criteria: ACMG Guidelines, 2015. Collection method: clinical testing. Allele origin: germline. Affected: yes. Observed: 5 variant alleles.

Fulgent Genetics
Classification: Pathogenic for Age related macular degeneration 2; Severe early-childhood-onset retinal dystrophy; Retinitis pigmentosa 19; Cone-rod dystrophy 3. Last evaluated: 2024-05-23. Review status: criteria provided, single submitter. Criteria: ACMG Guidelines, 2015. Collection method: clinical testing. Allele origin: germline.

Broad Center for Mendelian Genomics, Broad Institute of MIT and Harvard
Classification: Pathogenic for Retinitis pigmentosa 19. Last evaluated: 2023-01-25. Review status: criteria provided, single submitter. Criteria: ACMG Guidelines, 2015. Collection method: curation. Allele origin: germline. Inheritance: Autosomal recessive inheritance.
Comment: The heterozygous p.Lys223MetfsTer14 variant in ABCA4 was identified by our study, in the compound heterozygous state with another pathogenic variant (ClinVar Variation ID: 265012). The p.Lys223MetfsTer14 in ABCA4 has been previously reported in at least three unrelated individuals with autosomal recessive ABCA4-related retinopathy (PMID: 24713488, PMID: 11527935, PMID: 11726554, PMID: 11328725, SCV001950070.1) but has been identified in 0.006% (1/16252) of African/African American chromosomes by the Genome Aggregation Database (gnomAD; dbSNP ID: rs63749081). Although this variant has been seen in the general population in a heterozygous state, its frequency is low enough to be consistent with a recessive carrier frequency. This variant has also been reported in ClinVar (Variation ID: 99478) and has been interpreted as pathogenic by multiple submitters. This variant is predicted to cause a frameshift, which alters the protein‚Äôs amino acid sequence beginning at position 223 and leads to a premature termination codon 14 amino acids downstream. This alteration is then predicted to lead to a truncated or absent protein. Loss of function of the ABCA4 gene is an established disease mechanism in autosomal recessive ABCA4-related retinopathy. In summary, this variant meets criteria to be classified as pathogenic for autosomal recessive ABCA4-related retinopathy. ACMG/AMP Criteria applied: PVS1, PM2_Supporting, PM3_Strong (Richards 2015).

GeneDx
Classification: Pathogenic. Last evaluated: 2021-10-26. Review status: criteria provided, single submitter. Criteria: GeneDx Variant Classification Process June 2021. Collection method: clinical testing. Allele origin: germline. Affected: yes.
Comment: Frameshift variant predicted to result in protein truncation or nonsense mediated decay in a gene for which loss-of-function is a known mechanism of disease; This variant is associated with the following publications: (PMID: 11328725, 11726554, 9973280, 11527935, 17982420, 24713488)

Institute of Human Genetics, University of Leipzig Medical Center
Classification: Pathogenic for Severe early-childhood-onset retinal dystrophy. Last evaluated: 2021-07-02. Review status: criteria provided, single submitter. Criteria: ACMG Guidelines, 2015. Collection method: clinical testing. Allele origin: unknown. Affected: yes.
Comment: This variant was identified as compound heterozygous with NM_000350.3:c.286A>G.

Eurofins Ntd Llc (ga)
Classification: Pathogenic. Last evaluated: 2017-04-18. Review status: criteria provided, single submitter. Criteria: EGL Classification Definitions 2015. Collection method: clinical testing. Allele origin: germline. Observed: 1 variant allele, 1 heterozygote.

Retina International
No classification provided. Review status: no classification provided. Collection method: not provided. Allele origin: not provided. Not counted in ClinVar's aggregate classification.

Retina International
No classification provided. Review status: flagged submission. Collection method: not provided. Allele origin: unknown. Not counted in ClinVar's aggregate classification.
ClinVar note: Reason: This record appears to be redundant with a more recent record from the same submitter.
ClinVar note: Notes: SCV000117979 appears to be redundant with SCV000117982.

Literature cited by the submitters: PubMed 10958761 (cited by Labcorp Genetics (formerly Invitae), Labcorp); PubMed 24938718 (cited by Labcorp Genetics (formerly Invitae), Labcorp); PubMed 25312043 (cited by Labcorp Genetics (formerly Invitae), Labcorp); PubMed 26780318 (cited by Labcorp Genetics (formerly Invitae), Labcorp); PubMed 9973280 (cited by Labcorp Genetics (formerly Invitae), Labcorp); PubMed 24713488 (cited by Labcorp Genetics (formerly Invitae), Labcorp).